The following is an entry in ClinVar:

NM_001348768.2(HECW2):c.1069A>G (p.Met357Val)

Gene: HECW2 (HECT, C2 and WW domain containing E3 ubiquitin protein ligase 2; minus strand). Cytogenetic location: 2q32.3.
Variant type: single nucleotide variant.
Coding change: c.1069A>G on transcript NM_001348768.2 (MANE Select); coding-DNA position 1069, A replaced by G.
Protein change: p.Met357Val; replaces methionine 357 with valine.
Molecular consequence: missense variant. On other transcripts: initiator codon variant (1).
Genome position (GRCh38, 1-based): chr2:196,319,821, T>C on the plus strand (A>G on the coding strand, the complement: HECW2 is on the minus strand). VCF-style: chr2-196319821-T-C. GRCh37 (hg19) VCF-style: chr2-197184545-T-C.
Other names: c.1A>G, p.Met1Val (NM_001304840.3); c.1069A>G, p.Met357Val (NM_020760.4); short protein forms M357V, M1V.
Identifiers: ClinVar variation 452632 (VCV000452632.3), dbSNP rs780893136, ClinGen allele CA62784750.

ClinVar aggregate classification (germline): Uncertain significance (1 of 4 stars; one submission).

Allele frequency attached by ClinVar (database versions not stated): TOPMed 0.00003; gnomAD 0.00003 and 0.00001.
gnomAD v4.1: 7 of 1,614,114 alleles (0.00043%); highest among the groups gnomAD compares: African/African-American, 0.0053%; no homozygotes.

Submission:

GeneDx
Classification: Uncertain significance. Last evaluated: 2017-10-06. Review status: criteria provided, single submitter. Criteria: GeneDx Variant Classification (06012015). Collection method: clinical testing. Allele origin: germline. Affected: yes.
Comment: The M357V variant in the HECW2 gene has not been reported previously as a pathogenic variant, nor as a benign variant, to our knowledge.The M357V variant is observed in 2/24032 (0.008%) alleles from individuals of African background, in the ExAC dataset (Lek et al., 2016). The M357V variant is a conservative amino acid substitution, which is not likely to impact secondary protein structure as these residues share similar properties. This substitution occurs at a position where amino acids with similar properties to Methionine are tolerated across species. In silico analysis is inconsistent in its predictions as to whether or not the variant is damaging to the protein structure/function. We interpret M357V as a variant of uncertain significance.